The following is an entry in ClinVar:

NM_033629.6(TREX1):c.-8A>G

Genes: ATRIP (ATR interacting protein; plus strand), ATRIP-TREX1 (ATRIP-TREX1 readthrough; plus strand), TREX1 (three prime repair exonuclease 1; plus strand). Cytogenetic location: 3p21.31.
Variant type: single nucleotide variant.
Coding change: c.-8A>G on transcript NM_033629.6 (MANE Select); 8 bases upstream of the start codon, A replaced by G.
Molecular consequence: 5 prime UTR variant. On other transcripts: non-coding transcript variant (1), 3 prime UTR variant (4), intron variant (1).
Genome position (GRCh38, 1-based): chr3:48,466,648, A>G. VCF-style: chr3-48466648-A-G. GRCh37 (hg19) VCF-style: chr3-48508047-A-G.
Other names: NM_016381.5:c.158A>G; c.*1094A>G (NM_001271022.2, NM_001271023.2, NM_032166.4 and 1 more transcripts); c.-18-20A>G (NM_007248.5).
Identifiers: ClinVar variation 4981196 (VCV004981196.1).

ClinVar aggregate classification (germline): Uncertain significance (1 of 4 stars; one submission).

Conditions:
TREX1-related disorder. Also called: TREX1-related condition; TREX1-related disorders. Identifiers: MedGen CN239414.

gnomAD v4.1: 39 of 1,613,696 alleles (0.0024%); highest among the groups gnomAD compares: Middle Eastern, 0.016%; no homozygotes.

Submission:

PreventionGenetics, part of Exact Sciences
Classification: Uncertain significance for TREX1-related condition. Last evaluated: 2025-08-04. Review status: criteria provided, single submitter. Criteria: ACMG Guidelines, 2015. Collection method: clinical testing. Allele origin: germline.
Comment: The TREX1 c.158A>G variant is predicted to result in the amino acid substitution p.Tyr53Cys. To our knowledge, this variant has not been reported in the literature. This variant is reported in 0.0044% of alleles in individuals of European (Non-Finnish) descent in gnomAD. At this time, the clinical significance of this variant is uncertain due to the absence of conclusive functional and genetic evidence.